The following is an entry in ClinVar:

NM_000179.3(MSH6):c.518T>G (p.Leu173Arg)

Gene: MSH6 (mutS homolog 6; plus strand). Cytogenetic location: 2p16.3.
Variant type: single nucleotide variant.
Coding change: c.518T>G on transcript NM_000179.3 (MANE Select); coding-DNA position 518, T replaced by G.
Protein change: p.Leu173Arg; replaces leucine 173 with arginine.
Molecular consequence: missense variant. On other transcripts: 5 prime UTR variant (1), intron variant (2).
Genome position (GRCh38, 1-based): chr2:47,795,954, T>G. VCF-style: chr2-47795954-T-G. GRCh37 (hg19) VCF-style: chr2-48023093-T-G.
Other names: c.-385T>G (NM_001281494.2); c.614T>G, p.Leu205Arg (NM_001406795.1, NM_001406802.1); c.518T>G, p.Leu173Arg (NM_001406796.1, NM_001406798.1, NM_001406800.1 and 5 more transcripts); c.221T>G, p.Leu74Arg (NM_001406797.1, NM_001406801.1, NM_001406805.1 and 10 more transcripts); c.-8T>G (NM_001406799.1, NM_001406806.1, NM_001406807.1); c.440T>G, p.Leu147Arg (NM_001406804.1); c.524T>G, p.Leu175Arg (NM_001406813.1); c.-477T>G (NM_001406814.1); and 3 more; short protein forms L117R, L147R, L173R, L175R, L74R, L205R.
Identifiers: ClinVar variation 1745910 (VCV001745910.2), dbSNP rs2530518183, ClinGen allele CA346738681.

ClinVar aggregate classification (germline): Uncertain significance (1 of 4 stars; one submission).

Conditions:
Hereditary cancer-predisposing syndrome. Also called: Hereditary Cancer Syndrome; Neoplastic Syndromes, Hereditary; Tumor predisposition; Hereditary neoplastic syndrome. Identifiers: Orphanet 140162, MedGen C0027672, MeSH D009386, MONDO:0015356.

Submission:

Ambry Genetics
Classification: Uncertain significance for Hereditary cancer-predisposing syndrome. Last evaluated: 2022-05-22. Review status: criteria provided, single submitter. Criteria: Ambry Variant Classification Scheme 2023. Collection method: clinical testing. Allele origin: germline.
Comment: The p.L173R variant (also known as c.518T>G), located in coding exon 3 of the MSH6 gene, results from a T to G substitution at nucleotide position 518. The leucine at codon 173 is replaced by arginine, an amino acid with dissimilar properties. This amino acid position is conserved. In addition, this alteration is predicted to be tolerated by in silico analysis. Since supporting evidence is limited at this time, the clinical significance of this alteration remains unclear.